The following is an entry in ClinVar:

NC_000012.11:g.(6220135_6230339)_(6233842_?)del

Gene: VWF (von Willebrand factor; minus strand). Cytogenetic location: 12p13.31.
Variant type: Deletion.
Identifiers: ClinVar variation 1065231 (VCV001065231.3).

ClinVar aggregate classification (germline): Pathogenic (0 of 4 stars; one submission).

Conditions:
von Willebrand disease type 3 (VWD3). Also called: Type 3 Von Willebrand's disease; Type 3 VWD; Von Willebrand disease, severe form; V WD3; VON WILLEBRAND DISEASE, TYPE III. Identifiers: Orphanet 166096, MedGen C1264041, MONDO:0010191, OMIM 277480.

Submission:

Angelo Bianchi Bonomi Hemophilia and Thrombosis Center, Fondazione IRCCS Ca Granda Ospedale Maggiore Policlinico
Classification: Pathogenic for von Willebrand disease type 3. Last evaluated: 2021-04-12. Review status: no assertion criteria provided. Collection method: clinical testing. Allele origin: germline. Affected: yes. Study: Type 3 Von Willebrand International Registries Inhibitor Prospective Study (3WINTERS-IPS).
Comment: CNV Interpretation Scoring Rubric: Copy Number LOSS

Literature cited by the submitters: PubMed 26986123.